The following is an entry in ClinVar:

ClinVar aggregate classification (germline): Uncertain significance. Review status: criteria provided, multiple submitters, no conflicts (2 of 4 stars). 7 submissions from 6 submitters: Uncertain significance (7). Last evaluated 2026-01-28.

Conditions:
Inborn genetic diseases. Identifiers: MedGen C0950123, MeSH D030342.
Leigh syndrome (NULS). Also called: Leigh's syndrome; Leigh Disease; Subacute necrotizing encephalopathy; Necrotizing encephalopathy infantile subacute of Leigh; Leigh's necrotizing encephalopathy; Leigh's disease. Identifiers: Orphanet 506, MedGen C2931891, MONDO:0009723, OMIM 256000.
Mitochondrial complex I deficiency, nuclear type 1. Also called: NADH-COENZYME Q REDUCTASE DEFICIENCY; MITOCHONDRIAL NADH DEHYDROGENASE COMPONENT OF COMPLEX I, DEFICIENCY OF. Identifiers: MedGen C6022305, MONDO:0100224, OMIM 252010.

Allele frequency attached by ClinVar (database versions not stated): gnomAD exomes 0.00007 and 0.00016; TOPMed 0.00007; gnomAD 0.00009; ExAC 0.00006.
gnomAD v4.1: 243 of 1,614,080 alleles (0.015%); highest among the groups gnomAD compares: Non-Finnish European, 0.02%; 1 homozygote.

Submissions (7):

GeneDx
Classification: Uncertain significance. Last evaluated: 2026-01-28. Review status: criteria provided, single submitter. Criteria: GeneDx Variant Classification Process June 2021. Collection method: clinical testing. Allele origin: germline.
Comment: Not observed at significant frequency in large population cohorts (gnomAD); In silico analysis supports that this missense variant has a deleterious effect on protein structure/function; Has not been previously published as pathogenic or benign to our knowledge

Mayo Clinic Laboratories, Mayo Clinic
Classification: Uncertain significance. Last evaluated: 2025-09-30. Review status: criteria provided, single submitter. Criteria: ACMG Guidelines, 2015. Collection method: clinical testing. Allele origin: germline. Observed: 1 variant allele.
Comment: PP3_strong

Blueprint Genetics
Classification: Uncertain significance. Last evaluated: 2024-02-22. Review status: criteria provided, single submitter. Criteria: ACMG Guidelines, 2015. Collection method: clinical testing. Allele origin: germline.

Labcorp Genetics (formerly Invitae), Labcorp
Classification: Uncertain significance. Last evaluated: 2022-08-16. Review status: criteria provided, single submitter. Criteria: Invitae Variant Classification Sherloc (09022015). Collection method: clinical testing. Allele origin: germline.
Comment: This sequence change replaces isoleucine, which is neutral and non-polar, with threonine, which is neutral and polar, at codon 583 of the NDUFS1 protein (p.Ile583Thr). This variant is present in population databases (rs773111037, gnomAD 0.01%). This variant has not been reported in the literature in individuals affected with NDUFS1-related conditions. ClinVar contains an entry for this variant (Variation ID: 894805). Algorithms developed to predict the effect of missense changes on protein structure and function are either unavailable or do not agree on the potential impact of this missense change (SIFT: "Deleterious"; PolyPhen-2: "Possibly Damaging"; Align-GVGD: "Class C0"). In summary, the available evidence is currently insufficient to determine the role of this variant in disease. Therefore, it has been classified as a Variant of Uncertain Significance.

Ambry Genetics
Classification: Uncertain significance for Inborn genetic diseases. Last evaluated: 2020-12-07. Review status: criteria provided, single submitter. Criteria: Ambry Variant Classification Scheme 2023. Collection method: clinical testing. Allele origin: germline.
Comment: The c.1748T>C (p.I583T) alteration is located in exon 16 (coding exon 15) of the NDUFS1 gene. This alteration results from a T to C substitution at nucleotide position 1748, causing the isoleucine (I) at amino acid position 583 to be replaced by a threonine (T). The p.I583T alteration is predicted to be deleterious by in silico analysis. Based on insufficient or conflicting evidence, the clinical significance of this alteration remains unclear.

Illumina Laboratory Services, Illumina
Classification: Uncertain significance for Leigh syndrome. Last evaluated: 2018-01-12. Review status: criteria provided, single submitter. Criteria: ICSL Variant Classification Criteria 13 December 2019. Collection method: clinical testing. Allele origin: germline.

Illumina Laboratory Services, Illumina
Classification: Uncertain significance for Mitochondrial complex I deficiency, nuclear type 1. Last evaluated: 2018-01-12. Review status: criteria provided, single submitter. Criteria: ICSL Variant Classification Criteria 13 December 2019. Collection method: clinical testing. Allele origin: germline.

NM_005006.7(NDUFS1):c.1748T>C (p.Ile583Thr)

Gene: NDUFS1 (NADH:ubiquinone oxidoreductase core subunit S1; minus strand). Cytogenetic location: 2q33.3.
Variant type: single nucleotide variant.
Coding change: c.1748T>C on transcript NM_005006.7 (MANE Select); coding-DNA position 1748, T replaced by C.
Protein change: p.Ile583Thr; replaces isoleucine 583 with threonine.
Molecular consequence: missense variant.
Genome position (GRCh38, 1-based): chr2:206,127,933, A>G on the plus strand (T>C on the coding strand, the complement: NDUFS1 is on the minus strand). VCF-style: chr2-206127933-A-G. GRCh37 (hg19) VCF-style: chr2-206992657-A-G.
Other names: p.Ile583Thr; c.1640T>C, p.Ile547Thr (NM_001199981.2); c.1415T>C, p.Ile472Thr (NM_001199982.2); c.1577T>C, p.Ile526Thr (NM_001199983.2); c.1790T>C, p.Ile597Thr (NM_001199984.2); c.1748T>C (NM_005006.5); short protein forms I526T, I472T, I547T, I583T, I597T.
Identifiers: ClinVar variation 894805 (VCV000894805.9), dbSNP rs773111037, ClinGen allele CA2070356.